The following is an entry in ClinVar:

ClinVar aggregate classification (germline): Uncertain significance. Review status: criteria provided, multiple submitters, no conflicts (2 of 4 stars). 2 submissions from 2 submitters: Uncertain significance (2). Last evaluated 2022-03-21.

Conditions:
Joubert syndrome 25 (JBTS25). Identifiers: Orphanet 475, MedGen C4084842, MONDO:0014770, OMIM 616781.
Inborn genetic diseases. Identifiers: MedGen C0950123, MeSH D030342.

Allele frequency attached by ClinVar (database versions not stated): gnomAD exomes 0.00001; ExAC 0.00004; ESP Exome Variant Server 0.00008; TOPMed 0.00008; gnomAD 0.00009.
gnomAD v4.1: 37 of 1,613,796 alleles (0.0023%); highest among the groups gnomAD compares: African/African-American, 0.024%; no homozygotes.

Submissions (2):

Labcorp Genetics (formerly Invitae), Labcorp
Classification: Uncertain significance for Joubert syndrome 25. Last evaluated: 2022-03-21. Review status: criteria provided, single submitter. Criteria: Invitae Variant Classification Sherloc (09022015). Collection method: clinical testing. Allele origin: germline.
Comment: This sequence change replaces arginine, which is basic and polar, with cysteine, which is neutral and slightly polar, at codon 258 of the CEP104 protein (p.Arg258Cys). This variant is present in population databases (rs367923941, gnomAD 0.03%). This variant has not been reported in the literature in individuals affected with CEP104-related conditions. Algorithms developed to predict the effect of missense changes on protein structure and function are either unavailable or do not agree on the potential impact of this missense change (SIFT: "Deleterious"; PolyPhen-2: "Probably Damaging"; Align-GVGD: "Class C15"). In summary, the available evidence is currently insufficient to determine the role of this variant in disease. Therefore, it has been classified as a Variant of Uncertain Significance.

Ambry Genetics
Classification: Uncertain significance for Inborn genetic diseases. Last evaluated: 2022-03-16. Review status: criteria provided, single submitter. Criteria: Ambry Variant Classification Scheme 2023. Collection method: clinical testing. Allele origin: germline.

NM_014704.4(CEP104):c.772C>T (p.Arg258Cys)

Gene: CEP104 (centrosomal protein 104; minus strand). Cytogenetic location: 1p36.32.
Variant type: single nucleotide variant.
Coding change: c.772C>T on transcript NM_014704.4 (MANE Select); coding-DNA position 772, C replaced by T.
Protein change: p.Arg258Cys; replaces arginine 258 with cysteine.
Molecular consequence: missense variant.
Genome position (GRCh38, 1-based): chr1:3,839,083, G>A on the plus strand (C>T on the coding strand, the complement: CEP104 is on the minus strand). VCF-style: chr1-3839083-G-A. GRCh37 (hg19) VCF-style: chr1-3755647-G-A.
Other names: short protein forms R258C.
Identifiers: ClinVar variation 2040256 (VCV002040256.2), dbSNP rs367923941, ClinGen allele CA551817.